The following is an entry in ClinVar:

ClinVar aggregate classification (germline): Uncertain significance (1 of 4 stars; one submission).

Conditions:
Kabuki syndrome 2 (KABUK2). Also called: KDM6A-Related Kabuki Syndrome. Identifiers: Orphanet 2322, MedGen C3275495, MONDO:0010465, OMIM 300867.

gnomAD v4.1: 1 of 1,210,012 alleles (0.000083%); no homozygotes.

Submission:

Labcorp Genetics (formerly Invitae), Labcorp
Classification: Uncertain significance for Kabuki syndrome 2. Last evaluated: 2023-03-14. Review status: criteria provided, single submitter. Criteria: Invitae Variant Classification Sherloc (09022015). Collection method: clinical testing. Allele origin: germline.
Comment: In summary, the available evidence is currently insufficient to determine the role of this variant in disease. Therefore, it has been classified as a Variant of Uncertain Significance. Advanced modeling of protein sequence and biophysical properties (such as structural, functional, and spatial information, amino acid conservation, physicochemical variation, residue mobility, and thermodynamic stability) performed at Invitae indicates that this missense variant is not expected to disrupt KDM6A protein function. This variant has not been reported in the literature in individuals affected with KDM6A-related conditions. This variant is not present in population databases (gnomAD no frequency). This sequence change replaces isoleucine, which is neutral and non-polar, with methionine, which is neutral and non-polar, at codon 1318 of the KDM6A protein (p.Ile1318Met).

NM_001291415.2(KDM6A):c.4110A>G (p.Ile1370Met)

Gene: KDM6A (lysine demethylase 6A; plus strand). Cytogenetic location: Xp11.3.
Variant type: single nucleotide variant.
Coding change: c.4110A>G on transcript NM_001291415.2 (MANE Select); coding-DNA position 4110, A replaced by G.
Protein change: p.Ile1370Met; replaces isoleucine 1370 with methionine.
Molecular consequence: missense variant. On other transcripts: non-coding transcript variant (1).
Genome position (GRCh38, 1-based): chrX:45,107,485, A>G. VCF-style: chrX-45107485-A-G. GRCh37 (hg19) VCF-style: chrX-44966730-A-G.
Other names: c.3975A>G, p.Ile1325Met (NM_001291416.2); c.3819A>G, p.Ile1273Met (NM_001291417.2); c.3717A>G, p.Ile1239Met (NM_001291418.2); c.3066A>G, p.Ile1022Met (NM_001291421.2); c.3852A>G, p.Ile1284Met (NM_001410742.1); c.4218A>G, p.Ile1406Met (NM_001419809.1); c.4116A>G, p.Ile1372Met (NM_001419810.1); c.4083A>G, p.Ile1361Met (NM_001419811.1); and 5 more; short protein forms I1022M, I1284M, I1320M, I1325M, I1239M, I1273M, I1318M, I1354M.
Identifiers: ClinVar variation 2842257 (VCV002842257.3), dbSNP rs2148289097, ClinGen allele CA412775118.